The following is an entry in ClinVar:

ClinVar aggregate classification (germline): Uncertain significance. Review status: criteria provided, multiple submitters, no conflicts (2 of 4 stars). 2 submissions from 2 submitters: Uncertain significance (2). Last evaluated 2024-12-03.

Conditions:
Inborn genetic diseases. Identifiers: MedGen C0950123, MeSH D030342.

gnomAD v4.1: 5 of 1,602,414 alleles (0.00031%); highest among the groups gnomAD compares: African/African-American, 0.0067%; no homozygotes.

Submissions (2):

Ambry Genetics
Classification: Uncertain significance for Inborn genetic diseases. Last evaluated: 2024-12-03. Review status: criteria provided, single submitter. Criteria: Ambry Variant Classification Scheme 2023. Collection method: clinical testing. Allele origin: germline.

Mayo Clinic Laboratories, Mayo Clinic
Classification: Uncertain significance. Last evaluated: 2024-04-24. Review status: criteria provided, single submitter. Criteria: ACMG Guidelines, 2015. Collection method: clinical testing. Allele origin: germline. Observed: 1 variant allele.
Comment: PP3, PM2_moderate

NM_005689.4(ABCB6):c.803G>T (p.Cys268Phe)

Gene: ABCB6 (ATP binding cassette subfamily B member 6 (LAN blood group); minus strand). Cytogenetic location: 2q35.
Variant type: single nucleotide variant.
Coding change: c.803G>T on transcript NM_005689.4 (MANE Select); coding-DNA position 803, G replaced by T.
Protein change: p.Cys268Phe; replaces cysteine 268 with phenylalanine.
Molecular consequence: missense variant.
Genome position (GRCh38, 1-based): chr2:219,216,717, C>A on the plus strand (G>T on the coding strand, the complement: ABCB6 is on the minus strand). VCF-style: chr2-219216717-C-A. GRCh37 (hg19) VCF-style: chr2-220081439-C-A.
Other names: p.Cys268Phe; c.665G>T, p.Cys222Phe (NM_001349828.2); c.803G>T (NM_005689.2); short protein forms C222F, C268F.
Identifiers: ClinVar variation 3379423 (VCV003379423.2).